The following is an entry in ClinVar:

ClinVar aggregate classification (germline): Uncertain significance (1 of 4 stars; one submission).

Conditions:
Nemaline myopathy 10 (NEM10). Identifiers: MedGen C4015360, MONDO:0014513, OMIM 616165.

Allele frequency attached by ClinVar (database versions not stated): gnomAD exomes below 0.00001.

Submission:

Labcorp Genetics (formerly Invitae), Labcorp
Classification: Uncertain significance for Nemaline myopathy 10. Last evaluated: 2018-09-18. Review status: criteria provided, single submitter. Criteria: Invitae Variant Classification Sherloc (09022015). Collection method: clinical testing. Allele origin: germline.
Comment: This variant has not been reported in the literature in individuals with LMOD3-related disease. This sequence change disrupts the translational stop signal of the LMOD3 mRNA. It is expected to extend the length of the LMOD3 protein by 7 additional amino acid residues. This variant is not present in population databases (ExAC no frequency). In summary, the available evidence is currently insufficient to determine the role of this variant in disease. Therefore, it has been classified as a Variant of Uncertain Significance.

NM_198271.5(LMOD3):c.1681dup (p.Ter561LeuextTer?)

Gene: LMOD3 (leiomodin 3; minus strand). Cytogenetic location: 3p14.1.
Variant type: Duplication.
Coding change: c.1681dup on transcript NM_198271.5 (MANE Select); coding-DNA position 1681, one base duplicated (T; older notation c.1681dupT).
Protein change: p.Ter561LeuextTer?.
Molecular consequence: frameshift variant, stop lost.
Genome position (GRCh38, 1-based): chr3:69,109,097, A duplicated on the plus strand (T on the coding strand, the reverse complement: LMOD3 is on the minus strand). VCF-style (leftmost placement, unchanged base first): chr3-69109096-T-TA. GRCh37 (hg19) VCF-style: chr3-69158247-T-TA.
Other names: c.1681dup, p.Ter561LeuextTer? (NM_001304418.3); c.1681dupT (NM_198271.4).
Identifiers: ClinVar variation 656094 (VCV000656094.5), dbSNP rs1575869958, ClinGen allele CA915942962.